The following is an entry in ClinVar:

NM_003184.4(TAF2):c.2888A>G (p.His963Arg)

Gene: TAF2 (TATA-box binding protein associated factor 2; minus strand). Cytogenetic location: 8q24.12.
Variant type: single nucleotide variant.
Coding change: c.2888A>G on transcript NM_003184.4 (MANE Select); coding-DNA position 2888, A replaced by G.
Protein change: p.His963Arg; replaces histidine 963 with arginine.
Molecular consequence: missense variant.
Genome position (GRCh38, 1-based): chr8:119,746,925, T>C on the plus strand (A>G on the coding strand, the complement: TAF2 is on the minus strand). VCF-style: chr8-119746925-T-C. GRCh37 (hg19) VCF-style: chr8-120759165-T-C.
Other names: short protein forms H963R.
Identifiers: ClinVar variation 3340930 (VCV003340930.1).

ClinVar aggregate classification (germline): Uncertain significance (1 of 4 stars; one submission).

Submission:

GeneDx
Classification: Uncertain significance. Last evaluated: 2024-01-05. Review status: criteria provided, single submitter. Criteria: GeneDx Variant Classification Process June 2021. Collection method: clinical testing. Allele origin: germline. Affected: yes.
Comment: Not observed in large population cohorts (gnomAD); In silico analysis supports that this missense variant has a deleterious effect on protein structure/function; Has not been previously published as pathogenic or benign to our knowledge